The following is an entry in ClinVar:

NM_000180.4(GUCY2D):c.2842G>T (p.Glu948Ter)

Gene: GUCY2D (guanylate cyclase 2D, retinal; plus strand). Cytogenetic location: 17p13.1.
Variant type: single nucleotide variant.
Coding change: c.2842G>T on transcript NM_000180.4 (MANE Select); coding-DNA position 2842, G replaced by T.
Protein change: p.Glu948Ter; replaces glutamic acid 948 with a stop codon.
Molecular consequence: nonsense.
Genome position (GRCh38, 1-based): chr17:8,015,400, G>T. VCF-style: chr17-8015400-G-T. GRCh37 (hg19) VCF-style: chr17-7918718-G-T.
Other names: short protein forms E948*.
Identifiers: ClinVar variation 4526605 (VCV004526605.1).
Genomic context (GRCh38, chr17:8,015,400, plus strand): 5'-GGGGACGCCTATATGGTGGCCTCGGGGCTGCCCCAGCGGAATGGGCAGCGACACGCGGCA[G>T]AGATCGCCAACATGTCACTGGACATCCTCAGTGCCGTGGGCACTTTCCGCATGCGCCATA-3'

ClinVar aggregate classification (germline): Likely pathogenic (1 of 4 stars; one submission).

Conditions:
Night blindness, congenital stationary, type1i. Also called: NIGHT BLINDNESS, CONGENITAL STATIONARY, TYPE 1I. Identifiers: MedGen C5231408, MONDO:0032811, OMIM 618555.
Leber congenital amaurosis 1 (LCA1). Also called: RETINAL BLINDNESS, CONGENITAL; AMAUROSIS CONGENITA OF LEBER I; Congenital absence of the rods and cones; Leber's congenital tapetoretinal degeneration; Leber's congenital tapetoretinal dysplasia. Identifiers: Orphanet 65, MedGen C2931258, MONDO:0008764, OMIM 204000.
Cone-rod dystrophy 6 (CORD6). Also called: RETINAL CONE DYSTROPHY 2; Cone dystrophy progressive. Identifiers: Orphanet 1872, MedGen C1866293, MONDO:0011143, OMIM 601777.

Submission:

First Genomix Gene Laboratory, Genetic Diagnostics Department
Classification: Likely pathogenic for Cone-rod dystrophy 6; Leber congenital amaurosis 1; Night blindness, congenital stationary, type1i. Last evaluated: 2025-04-09. Review status: criteria provided, single submitter. Criteria: ACMG Guidelines, 2015. Collection method: clinical testing. Allele origin: germline. Inheritance: Autosomal recessive inheritance. Affected: no. Observed: 1 variant allele.